The following is an entry in ClinVar:

ClinVar aggregate classification (germline): Uncertain significance (1 of 4 stars; one submission).

Submission:

GeneDx
Classification: Uncertain significance. Last evaluated: 2024-03-15. Review status: criteria provided, single submitter. Criteria: GeneDx Variant Classification Process June 2021. Collection method: clinical testing. Allele origin: germline. Affected: yes.
Comment: Not observed at significant frequency in large population cohorts (gnomAD); In silico analysis supports that this missense variant has a deleterious effect on protein structure/function; Has not been previously published as pathogenic or benign to our knowledge; This variant is associated with the following publications: (PMID: 15235021, 22850631)

NM_004360.5(CDH1):c.2495T>A (p.Val832Glu)

Gene: CDH1 (cadherin 1; plus strand). Cytogenetic location: 16q22.1.
Variant type: single nucleotide variant.
Coding change: c.2495T>A on transcript NM_004360.5 (MANE Select); coding-DNA position 2495, T replaced by A.
Protein change: p.Val832Glu; replaces valine 832 with glutamic acid.
Molecular consequence: missense variant.
Genome position (GRCh38, 1-based): chr16:68,833,345, T>A. VCF-style: chr16-68833345-T-A. GRCh37 (hg19) VCF-style: chr16-68867248-T-A.
Other names: c.2312T>A, p.Val771Glu (NM_001317184.2); c.947T>A, p.Val316Glu (NM_001317185.2); c.530T>A, p.Val177Glu (NM_001317186.2); short protein forms V177E, V316E, V771E, V832E.
Identifiers: ClinVar variation 3371078 (VCV003371078.1).